The following is an entry in ClinVar:

NM_000092.5(COL4A4):c.4217-24C>T

Gene: COL4A4 (collagen type IV alpha 4 chain; minus strand). Cytogenetic location: 2q36.3.
Variant type: single nucleotide variant.
Coding change: c.4217-24C>T on transcript NM_000092.5 (MANE Select); 24 bases into the intron before coding-DNA position 4217, C replaced by T.
Molecular consequence: intron variant.
Genome position (GRCh38, 1-based): chr2:227,012,321, G>A on the plus strand (C>T on the coding strand, the complement: COL4A4 is on the minus strand). VCF-style: chr2-227012321-G-A. GRCh37 (hg19) VCF-style: chr2-227877037-G-A.
Identifiers: ClinVar variation 1183807 (VCV001183807.7), dbSNP rs10188770, ClinGen allele CA2144236.

ClinVar aggregate classification (germline): Benign. Review status: criteria provided, multiple submitters, no conflicts (2 of 4 stars). 4 submissions from 4 submitters: Benign (4). Last evaluated 2024-07-15.

Conditions:
Autosomal recessive Alport syndrome (ATS2). Also called: COL4A3-Related Nephropathy; COL4A4 Alport Syndrome and Thin Basement Membrane Nephropathy; ALPORT SYNDROME 2, AUTOSOMAL RECESSIVE; Alport syndrome type 2. Identifiers: Orphanet 63, Orphanet 88919, MedGen C4746745, MONDO:0008762, OMIM 203780.

Allele frequency attached by ClinVar (database versions not stated): gnomAD exomes 0.44250 and 0.47777; ESP Exome Variant Server 0.47125; ExAC 0.47630; gnomAD 0.48798 and 0.48901; TOPMed 0.49121; 1000 Genomes Project 0.52057; 1000 Genomes Project 30x 0.52155.
gnomAD v4.1: 706,707 of 1,580,714 alleles (45%); highest among the groups gnomAD compares: African/African-American, 60%; 161,051 homozygotes.

Submissions (4):

Unidad de Genómica Garrahan, Hospital de Pediatría Garrahan
Classification: Benign. Last evaluated: 2024-07-15. Review status: criteria provided, single submitter. Criteria: ACMG Guidelines, 2015. Collection method: clinical testing. Allele origin: germline. Affected: no. Observed: 66 variant alleles.
Comment: This variant is classified as Benign based on local population frequency. This variant was detected in 71% of patients studied in a panel designed for Epileptic and Developmental Encephalopathy and Progressive Myoclonus Epilepsy. Number of patients: 66. Only high quality variants are reported.

Genome-Nilou Lab
Classification: Benign for Autosomal recessive Alport syndrome. Last evaluated: 2021-07-10. Review status: criteria provided, single submitter. Criteria: ACMG Guidelines, 2015. Collection method: clinical testing. Allele origin: germline. Affected: no.

GeneDx
Classification: Benign. Last evaluated: 2018-06-22. Review status: criteria provided, single submitter. Criteria: GeneDx Variant Classification Process June 2021. Collection method: clinical testing. Allele origin: germline. Affected: yes.

Breakthrough Genomics
Classification: Benign. Review status: criteria provided, single submitter. Criteria: ACMG Guidelines, 2015. Collection method: not provided. Allele origin: germline. Inheritance: Autosomal recessive inheritance. Affected: yes.